The following is an entry in ClinVar:

ClinVar aggregate classification (germline): Uncertain significance (1 of 4 stars; one submission).

Conditions:
Cataract 20 multiple types (CTRCT20). Also called: Membranous cataract. Identifiers: Orphanet 91492, MedGen C0524524, MONDO:0007284, OMIM 116100, HP:0010922.

Allele frequency attached by ClinVar (database versions not stated): gnomAD exomes below 0.00001; TOPMed below 0.00001.
gnomAD v4.1: 5 of 1,614,134 alleles (0.00031%); highest among the groups gnomAD compares: Admixed American, 0.005%; no homozygotes.

Submission:

Labcorp Genetics (formerly Invitae), Labcorp
Classification: Uncertain significance for Cataract 20 multiple types. Last evaluated: 2023-08-11. Review status: criteria provided, single submitter. Criteria: Invitae Variant Classification Sherloc (09022015). Collection method: clinical testing. Allele origin: germline.
Comment: In summary, the available evidence is currently insufficient to determine the role of this variant in disease. Therefore, it has been classified as a Variant of Uncertain Significance. Algorithms developed to predict the effect of missense changes on protein structure and function output the following: SIFT: "Not Available"; PolyPhen-2: "Possibly Damaging"; Align-GVGD: "Not Available". The serine amino acid residue is found in multiple mammalian species, which suggests that this missense change does not adversely affect protein function. This variant has not been reported in the literature in individuals affected with CRYGS-related conditions. This variant is present in population databases (no rsID available, gnomAD 0.006%). This sequence change replaces proline, which is neutral and non-polar, with serine, which is neutral and polar, at codon 168 of the CRYGS protein (p.Pro168Ser).

NM_017541.4(CRYGS):c.502C>T (p.Pro168Ser)

Gene: CRYGS (crystallin gamma S; minus strand). Cytogenetic location: 3q27.3.
Variant type: single nucleotide variant.
Coding change: c.502C>T on transcript NM_017541.4 (MANE Select); coding-DNA position 502, C replaced by T.
Protein change: p.Pro168Ser; replaces proline 168 with serine.
Molecular consequence: missense variant.
Genome position (GRCh38, 1-based): chr3:186,538,731, G>A on the plus strand (C>T on the coding strand, the complement: CRYGS is on the minus strand). VCF-style: chr3-186538731-G-A. GRCh37 (hg19) VCF-style: chr3-186256520-G-A.
Other names: short protein forms P168S.
Identifiers: ClinVar variation 2887086 (VCV002887086.3), dbSNP rs1389161365, ClinGen allele CA355702932.